The following is an entry in ClinVar:

NM_003201.3(TFAM):c.298C>G (p.Gln100Glu)

Gene: TFAM (transcription factor A, mitochondrial; plus strand). Cytogenetic location: 10q21.1.
Variant type: single nucleotide variant.
Coding change: c.298C>G on transcript NM_003201.3 (MANE Select); coding-DNA position 298, C replaced by G.
Protein change: p.Gln100Glu; replaces glutamine 100 with glutamic acid.
Molecular consequence: missense variant. On other transcripts: non-coding transcript variant (1).
Genome position (GRCh38, 1-based): chr10:58,388,676, C>G. VCF-style: chr10-58388676-C-G. GRCh37 (hg19) VCF-style: chr10-60148436-C-G.
Other names: p.Gln100Glu; c.298C>G, p.Gln100Glu (NM_001270782.2); c.298C>G (NM_003201.2); short protein forms Q100E.
Identifiers: ClinVar variation 2052996 (VCV002052996.5), dbSNP rs151097728, ClinGen allele CA5507939.

ClinVar aggregate classification (germline): Uncertain significance. Review status: criteria provided, multiple submitters, no conflicts (2 of 4 stars). 3 submissions from 3 submitters: Uncertain significance (3). Last evaluated 2025-08-11.

Allele frequency attached by ClinVar (database versions not stated): ExAC 0.00019; gnomAD exomes 0.00030; gnomAD 0.00032; TOPMed 0.00032; ESP Exome Variant Server 0.00038.
gnomAD v4.1: 484 of 1,613,314 alleles (0.03%); highest among the groups gnomAD compares: Admixed American, 0.045%; 2 homozygotes.

Submissions (3):

Labcorp Genetics (formerly Invitae), Labcorp
Classification: Uncertain significance. Last evaluated: 2025-08-11. Review status: criteria provided, single submitter. Criteria: Invitae Variant Classification Sherloc (09022015). Collection method: clinical testing. Allele origin: germline.
Comment: This sequence change replaces glutamine, which is neutral and polar, with glutamic acid, which is acidic and polar, at codon 100 of the TFAM protein (p.Gln100Glu). This variant is present in population databases (rs151097728, gnomAD 0.03%). This variant has not been reported in the literature in individuals affected with TFAM-related conditions. ClinVar contains an entry for this variant (Variation ID: 2052996). Invitae Evidence Modeling of protein sequence and biophysical properties (such as structural, functional, and spatial information, amino acid conservation, physicochemical variation, residue mobility, and thermodynamic stability) indicates that this missense variant is not expected to disrupt TFAM protein function with a negative predictive value of 80%. In summary, the available evidence is currently insufficient to determine the role of this variant in disease. Therefore, it has been classified as a Variant of Uncertain Significance.

GeneDx
Classification: Uncertain significance. Last evaluated: 2024-09-11. Review status: criteria provided, single submitter. Criteria: GeneDx Variant Classification Process June 2021. Collection method: clinical testing. Allele origin: germline. Affected: yes.
Comment: In silico analysis indicates that this missense variant does not alter protein structure/function; Has not been previously published as pathogenic or benign to our knowledge

Mayo Clinic Laboratories, Mayo Clinic
Classification: Uncertain significance. Last evaluated: 2024-06-05. Review status: criteria provided, single submitter. Criteria: ACMG Guidelines, 2015. Collection method: clinical testing. Allele origin: germline. Observed: 1 variant allele.